The following is an entry in ClinVar:

ClinVar aggregate classification (germline): Conflicting classifications of pathogenicity. Review status: criteria provided, conflicting classifications (1 of 4 stars). 3 submissions from 3 submitters: Uncertain significance (2); Likely benign (1). Last evaluated 2025-08-05.

Conditions:
Inborn genetic diseases. Identifiers: MedGen C0950123, MeSH D030342.
Charcot-Marie-Tooth disease type 4. Also called: Charcot-Marie-Tooth disease, type IV; Charcot-Marie-Tooth, Type 4. Identifiers: Orphanet 64749, MedGen C4082197, MONDO:0018995.

Allele frequency attached by ClinVar (database versions not stated): ExAC 0.00004; ESP Exome Variant Server 0.00008; gnomAD exomes 0.00003; 1000 Genomes Project 30x 0.00016; TOPMed 0.00021; 1000 Genomes Project 0.00020.
gnomAD v4.1: 75 of 1,614,186 alleles (0.0046%); highest among the groups gnomAD compares: African/African-American, 0.023%; no homozygotes.

Submissions (3):

Ambry Genetics
Classification: Uncertain significance for Inborn genetic diseases. Last evaluated: 2025-08-05. Review status: criteria provided, single submitter. Criteria: Ambry Variant Classification Scheme 2023. Collection method: clinical testing. Allele origin: germline.

Labcorp Genetics (formerly Invitae), Labcorp
Classification: Likely benign for Charcot-Marie-Tooth disease type 4. Last evaluated: 2024-02-02. Review status: criteria provided, single submitter. Criteria: Invitae Variant Classification Sherloc (09022015). Collection method: clinical testing. Allele origin: germline.

GeneDx
Classification: Uncertain significance. Last evaluated: 2017-05-30. Review status: criteria provided, single submitter. Criteria: GeneDx Variant Classification (06012015). Collection method: clinical testing. Allele origin: germline. Affected: yes.
Comment: The R851W missense variant has not been published as a pathogenic variant, nor has it been reported as a benign polymorphism to our knowledge. It was not observed with any significant frequency in approximately 6,500 individuals of European and African American ancestry in the NHLBI Exome Sequencing Project. The R851W variant is a non-conservative amino acid substitution, which is likely to impact secondary protein structure as these residues differ in polarity, charge, size and/or other properties. However, this substitution occurs at a position that is not conserved across species, and in silico analysis is inconsistent in its predictions as to whether or not the variant is damaging to the protein structure/function. Therefore, based on the currently available information, it is unclear whether this variant is a pathogenic or a rare benign variant.

NM_024577.4(SH3TC2):c.2551C>T (p.Arg851Trp)

Gene: SH3TC2 (SH3 domain and tetratricopeptide repeats 2; minus strand). Cytogenetic location: 5q32.
Variant type: single nucleotide variant.
Coding change: c.2551C>T on transcript NM_024577.4 (MANE Select); coding-DNA position 2551, C replaced by T.
Protein change: p.Arg851Trp; replaces arginine 851 with tryptophan.
Molecular consequence: missense variant.
Genome position (GRCh38, 1-based): chr5:149,027,181, G>A on the plus strand (C>T on the coding strand, the complement: SH3TC2 is on the minus strand). VCF-style: chr5-149027181-G-A. GRCh37 (hg19) VCF-style: chr5-148406744-G-A.
Other names: short protein forms R851W.
Identifiers: ClinVar variation 245730 (VCV000245730.12), dbSNP rs144655516, ClinGen allele CA3498971.